The following is an entry in ClinVar:

ClinVar aggregate classification (germline): Uncertain significance (1 of 4 stars; one submission).

Submission:

GeneDx
Classification: Uncertain significance. Last evaluated: 2024-02-01. Review status: criteria provided, single submitter. Criteria: GeneDx Variant Classification Process June 2021. Collection method: clinical testing. Allele origin: germline. Affected: yes.
Comment: Not observed at significant frequency in large population cohorts (gnomAD); In silico analysis supports that this missense variant does not alter protein structure/function; Has not been previously published as pathogenic or benign to our knowledge

NM_001348323.3(TRIP12):c.4753G>T (p.Ala1585Ser)

Gene: TRIP12 (thyroid hormone receptor interactor 12; minus strand). Cytogenetic location: 2q36.3.
Variant type: single nucleotide variant.
Coding change: c.4753G>T on transcript NM_001348323.3 (MANE Select); coding-DNA position 4753, G replaced by T.
Protein change: p.Ala1585Ser; replaces alanine 1585 with serine.
Molecular consequence: missense variant.
Genome position (GRCh38, 1-based): chr2:229,788,883, C>A on the plus strand (G>T on the coding strand, the complement: TRIP12 is on the minus strand). VCF-style: chr2-229788883-C-A. GRCh37 (hg19) VCF-style: chr2-230653599-C-A.
Other names: c.4672G>T, p.Ala1558Ser (NM_001284214.2, NM_001348315.2); c.4627G>T, p.Ala1543Ser (NM_001284215.2, NM_001348316.2); c.3718G>T, p.Ala1240Ser (NM_001284216.2); c.4612G>T, p.Ala1538Ser (NM_001348317.1, NM_001348318.2); c.4738G>T, p.Ala1580Ser (NM_001348319.1, NM_001348320.2); c.4741G>T, p.Ala1581Ser (NM_001348321.1); c.4753G>T, p.Ala1585Ser (NM_001348322.1, NM_001348324.2, NM_001348325.2 and 2 more transcripts); c.4756G>T, p.Ala1586Ser (NM_001348328.1, NM_001348329.2, NM_001348330.2); and 4 more; short protein forms A1240S, A1510S, A1511S, A1538S, A1543S, A1551S, A1558S, A1559S.
Identifiers: ClinVar variation 3368746 (VCV003368746.1).